The following is an entry in ClinVar:

ClinVar aggregate classification (germline): Likely pathogenic (1 of 4 stars; one submission).

Conditions:
Hereditary cancer-predisposing syndrome. Also called: Neoplastic Syndromes, Hereditary; Tumor predisposition; Hereditary neoplastic syndrome; Hereditary Cancer Syndrome. Identifiers: Orphanet 140162, MedGen C0027672, MeSH D009386, MONDO:0015356.

Submission:

Ambry Genetics
Classification: Likely pathogenic for Hereditary cancer-predisposing syndrome. Last evaluated: 2025-08-07. Review status: criteria provided, single submitter. Criteria: Ambry Variant Classification Scheme 2023. Collection method: clinical testing. Allele origin: germline.
Comment: The c.348+5G>A intronic variant results from a G to A substitution 5 nucleotides after coding exon 3 in the MUTYH gene. This nucleotide position is well conserved in available vertebrate species. In silico splice site analysis predicts that this alteration will weaken the native splice donor site. RNA studies have demonstrated that this alteration results in abnormal splicing in the set of samples tested (Ambry internal data). This variant is considered to be rare based on population cohorts in the Genome Aggregation Database (gnomAD). Based on the majority of available evidence to date, this variant is likely to be pathogenic.

NM_001048174.2(MUTYH):c.264+5G>A

Gene: MUTYH (mutY DNA glycosylase; minus strand). Cytogenetic location: 1p34.1.
Variant type: single nucleotide variant.
Coding change: c.264+5G>A on transcript NM_001048174.2 (MANE Select); 5 bases into the intron after coding-DNA position 264, G replaced by A.
Molecular consequence: intron variant.
Genome position (GRCh38, 1-based): chr1:45,333,408, C>T on the plus strand (G>A on the coding strand, the complement: MUTYH is on the minus strand). VCF-style: chr1-45333408-C-T. GRCh37 (hg19) VCF-style: chr1-45799080-C-T.
Other names: c.264+5G>A (NM_001407072.1, NM_001048171.2, NM_001407070.1 and 6 more transcripts); c.-8+5G>A (NM_001350651.2, NM_001350650.2, NM_001407082.1); c.-13+5G>A (NM_001293192.2, NM_001293196.2, NM_001407091.1); c.306+5G>A (NM_001407073.1, NM_001407083.1, NM_001407085.1); c.309+5G>A (NM_001293190.2); c.339+5G>A (NM_001407069.1, NM_012222.3); c.348+5G>A (NM_001128425.2); c.267+5G>A (NM_001407071.1, NM_001407079.1, NM_001048172.2 and 2 more transcripts); and 3 more.
Identifiers: ClinVar variation 3233038 (VCV003233038.2), dbSNP rs2524258876, ClinGen allele CA2825000972.